The following is an entry in ClinVar:

ClinVar aggregate classification (germline): Uncertain significance. Review status: criteria provided, multiple submitters, no conflicts (2 of 4 stars). 3 submissions from 3 submitters: Uncertain significance (3). Last evaluated 2024-12-24.

Conditions:
Inflammatory bowel disease 25. Also called: Inflammatory bowel disease 25, early onset, autosomal recessive. Identifiers: Orphanet 238569, MedGen C2675508, MONDO:0012941, OMIM 612567.

Allele frequency attached by ClinVar (database versions not stated): TOPMed 0.00010.

Submissions (3):

Labcorp Genetics (formerly Invitae), Labcorp
Classification: Uncertain significance for Inflammatory bowel disease 25. Last evaluated: 2024-12-24. Review status: criteria provided, single submitter. Criteria: Invitae Variant Classification Sherloc (09022015). Collection method: clinical testing. Allele origin: germline.
Comment: This sequence change replaces alanine, which is neutral and non-polar, with threonine, which is neutral and polar, at codon 243 of the IL10RB protein (p.Ala243Thr). This variant is present in population databases (rs1058861, gnomAD 0.02%). This variant has not been reported in the literature in individuals affected with IL10RB-related conditions. ClinVar contains an entry for this variant (Variation ID: 339695). Invitae Evidence Modeling of protein sequence and biophysical properties (such as structural, functional, and spatial information, amino acid conservation, physicochemical variation, residue mobility, and thermodynamic stability) indicates that this missense variant is not expected to disrupt IL10RB protein function with a negative predictive value of 80%. In summary, the available evidence is currently insufficient to determine the role of this variant in disease. Therefore, it has been classified as a Variant of Uncertain Significance.

Mayo Clinic Laboratories, Mayo Clinic
Classification: Uncertain significance. Last evaluated: 2022-09-14. Review status: criteria provided, single submitter. Criteria: ACMG Guidelines, 2015. Collection method: clinical testing. Allele origin: germline. Observed: 1 variant allele.
Comment: BP4

Illumina Laboratory Services, Illumina
Classification: Uncertain significance for Inflammatory bowel disease 25. Last evaluated: 2018-01-13. Review status: criteria provided, single submitter. Criteria: ICSL Variant Classification Criteria 13 December 2019. Collection method: clinical testing. Allele origin: germline.

NM_000628.5(IL10RB):c.727G>A (p.Ala243Thr)

Genes: IFNAR2-IL10RB (IFNAR2-IL10RB readthrough; plus strand), IL10RB (interleukin 10 receptor subunit beta; plus strand). Cytogenetic location: 21q22.11.
Variant type: single nucleotide variant.
Coding change: c.727G>A on transcript NM_000628.5 (MANE Select); coding-DNA position 727, G replaced by A.
Protein change: p.Ala243Thr; replaces alanine 243 with threonine.
Molecular consequence: missense variant.
Genome position (GRCh38, 1-based): chr21:33,288,184, G>A. VCF-style: chr21-33288184-G-A. GRCh37 (hg19) VCF-style: chr21-34660489-G-A.
Other names: p.Ala243Thr; short protein forms A243T.
Identifiers: ClinVar variation 339695 (VCV000339695.14), dbSNP rs1058861, ClinGen allele CA10006228.